The following is an entry in ClinVar:

ClinVar aggregate classification (germline): Uncertain significance. Review status: criteria provided, multiple submitters, no conflicts (2 of 4 stars). 3 submissions from 3 submitters: Uncertain significance (3). Last evaluated 2024-05-28.

Conditions:
Gaze palsy, familial horizontal, with progressive scoliosis 1 (HGPPS1). Identifiers: Orphanet 2744, MedGen C4551964, MONDO:0020790, OMIM 607313.
Inborn genetic diseases. Identifiers: MedGen C0950123, MeSH D030342.

Allele frequency attached by ClinVar (database versions not stated): gnomAD exomes 0.00005; ExAC below 0.00001; gnomAD 0.00003; TOPMed 0.00003.
gnomAD v4.1: 31 of 1,445,002 alleles (0.0021%); highest among the groups gnomAD compares: East Asian, 0.085%; no homozygotes.

Submissions (3):

Ambry Genetics
Classification: Uncertain significance for Inborn genetic diseases. Last evaluated: 2024-05-28. Review status: criteria provided, single submitter. Criteria: Ambry Variant Classification Scheme 2023. Collection method: clinical testing. Allele origin: germline.

GeneDx
Classification: Uncertain significance. Last evaluated: 2022-07-14. Review status: criteria provided, single submitter. Criteria: GeneDx Variant Classification Process June 2021. Collection method: clinical testing. Allele origin: germline. Affected: yes.
Comment: In silico analysis supports that this missense variant has a deleterious effect on protein structure/function; Has not been previously published as pathogenic or benign to our knowledge

Illumina Laboratory Services, Illumina
Classification: Uncertain significance for Gaze palsy, familial horizontal, with progressive scoliosis 1. Last evaluated: 2018-01-13. Review status: criteria provided, single submitter. Criteria: ICSL Variant Classification Criteria 13 December 2019. Collection method: clinical testing. Allele origin: germline.

NM_022370.4(ROBO3):c.2699C>T (p.Ala900Val)

Gene: ROBO3 (roundabout guidance receptor 3; plus strand). Cytogenetic location: 11q24.2.
Variant type: single nucleotide variant.
Coding change: c.2699C>T on transcript NM_022370.4 (MANE Select); coding-DNA position 2699, C replaced by T.
Protein change: p.Ala900Val; replaces alanine 900 with valine.
Molecular consequence: missense variant. On other transcripts: 5 prime UTR variant (1), non-coding transcript variant (1).
Genome position (GRCh38, 1-based): chr11:124,876,380, C>T. VCF-style: chr11-124876380-C-T. GRCh37 (hg19) VCF-style: chr11-124746276-C-T.
Other names: c.-155C>T (NM_001370356.1); short protein forms A900V.
Identifiers: ClinVar variation 878383 (VCV000878383.6), dbSNP rs746827802, ClinGen allele CA6343876.
Genomic context (GRCh38, chr11:124,876,380, plus strand): 5'-TGGCGGTGCGGCTGGCGAGGGTGCTGCGGGAGCCCGCCTTCCTCGCGGGCAGCGGCGCAG[C>T]CTGCGGGGCGCTGCTTCTCGGGCTCTGCGCCGCCCTCTACTGGCGCCGGAAACAGCGCAA-3'
Protein context (NP_071765.2, residues 890-910): EPAFLAGSGA[Ala900Val]CGALLLGLCA